The following is an entry in ClinVar:

NM_006904.7(PRKDC):c.7246A>C (p.Lys2416Gln)

Gene: PRKDC (protein kinase, DNA-activated, catalytic subunit; minus strand). Cytogenetic location: 8q11.21.
Variant type: single nucleotide variant.
Coding change: c.7246A>C on transcript NM_006904.7 (MANE Select); coding-DNA position 7246, A replaced by C.
Protein change: p.Lys2416Gln; replaces lysine 2416 with glutamine.
Molecular consequence: missense variant.
Genome position (GRCh38, 1-based): chr8:47,849,188, T>G on the plus strand (A>C on the coding strand, the complement: PRKDC is on the minus strand). VCF-style: chr8-47849188-T-G. GRCh37 (hg19) VCF-style: chr8-48761749-T-G.
Other names: c.7246A>C, p.Lys2416Gln (NM_001081640.2); short protein forms K2416Q.
Identifiers: ClinVar variation 1757887 (VCV001757887.2), dbSNP rs2551868644, ClinGen allele CA371157363.
Genomic context (GRCh38, chr8:47,849,188, plus strand): 5'-CAAGAGCAGGGCTAGTGTTCACTCACCTATGTCTCATGACTTGAACGAAGTCCTTGCTCT[T>G]TAACTGGAAGTACAGCTCTGTCATTCCCTCCACACGACAAAGTACCACCTCCAGACAGAG-3'
Protein context (NP_008835.5, residues 2406-2426): EGMTELYFQL[Lys2416Gln]SKDFVQVMRH

ClinVar aggregate classification (germline): Uncertain significance (1 of 4 stars; one submission).

Submission:

Ambry Genetics
Classification: Uncertain significance. Last evaluated: 2021-06-15. Review status: criteria provided, single submitter. Criteria: Ambry Variant Classification Scheme 2023. Collection method: clinical testing. Allele origin: germline.
Comment: The p.K2416Q variant (also known as c.7246A>C), located in coding exon 54 of the PRKDC gene, results from an A to C substitution at nucleotide position 7246. The lysine at codon 2416 is replaced by glutamine, an amino acid with similar properties. This amino acid position is conserved. In addition, the in silico prediction for this alteration is inconclusive. Since supporting evidence is limited at this time, the clinical significance of this alteration remains unclear.